The following is an entry in ClinVar:

NM_001365276.2(TNXB):c.7802C>T (p.Pro2601Leu)

Gene: TNXB (tenascin XB; minus strand). Cytogenetic location: 6p21.33.
Variant type: single nucleotide variant.
Coding change: c.7802C>T on transcript NM_001365276.2 (MANE Select); coding-DNA position 7802, C replaced by T.
Protein change: p.Pro2601Leu; replaces proline 2601 with leucine.
Molecular consequence: missense variant.
Genome position (GRCh38, 1-based): chr6:32,058,081, G>A on the plus strand (C>T on the coding strand, the complement: TNXB is on the minus strand). VCF-style: chr6-32058081-G-A. GRCh37 (hg19) VCF-style: chr6-32025858-G-A.
Other names: c.7802C>T, p.Pro2601Leu (NM_019105.8); short protein forms P2601L.
Identifiers: ClinVar variation 1197303 (VCV001197303.31), dbSNP rs575866552, ClinGen allele CA3734051.
Genomic context (GRCh38, chr6:32,058,081, plus strand): 5'-GCTGTCTTCCAACCCTGCCCCACCCACACTCACTCACCTGTGACGCCCACGGCAGACACC[G>A]GGCCCAGGCGCCGCCCCTCGTGGAGGCCGTACAGGTGCATCTTGTACTTGCGCCCAGGCT-3'
Protein context (NP_001352205.1, residues 2591-2611): YGLHEGRRLG[Pro2601Leu]VSAVGVTEDE

ClinVar aggregate classification (germline): Benign/Likely benign. Review status: criteria provided, multiple submitters, no conflicts (2 of 4 stars). 6 submissions from 6 submitters: Benign (2); Likely benign (4). Last evaluated 2026-03-16.

Conditions:
Cardiovascular phenotype. Identifiers: MedGen CN230736.
Vesicoureteral reflux 8 (VUR8). Identifiers: Orphanet 289365, MedGen C4014831, MONDO:0014422, OMIM 615963.
Ehlers-Danlos syndrome due to tenascin-X deficiency (EDSCLL1). Also called: TNX DEFICIENCY; EHLERS-DANLOS SYNDROME, CLASSIC-LIKE; Ehlers-Danlos syndrome, classic-like, 1; TNXB-Related Classical-Like Ehlers-Danlos Syndrome; EDS DUE TO TNX DEFICIENCY. Identifiers: Orphanet 230839, MedGen C1848029, MONDO:0011670, OMIM 606408.

Allele frequency attached by ClinVar (database versions not stated): gnomAD exomes 0.00053; ExAC 0.00058; 1000 Genomes Project 30x 0.00172; 1000 Genomes Project 0.00180.

Submissions (6):

Women's Health and Genetics/Laboratory Corporation of America, LabCorp
Classification: Likely benign. Last evaluated: 2026-03-16. Review status: criteria provided, single submitter. Criteria: LabCorp Variant Classification Summary - May 2015. Collection method: clinical testing. Allele origin: germline.
Comment: Variant summary: TNXB c.7802C>T (p.Pro2601Leu) results in a non-conservative amino acid change in the encoded protein sequence. Algorithms developed to predict the effect of missense changes on protein structure and function are either unavailable or do not agree on the potential impact of this missense change. The variant allele was found at a frequency of 0.00053 in 244554 control chromosomes, predominantly at a frequency of 0.0062 within the East Asian subpopulation in the gnomAD database, including 1 homozygotes. The observed variant frequency within East Asian control individuals in the gnomAD database exceeds the estimated maximal expected allele frequency for disease-causing variants in TNXB. c.7802C>T has been observed in an individual affected with intracranial vertebralbasilar artery dissection without clear evidence for causality (Wang_2018). These report(s) do not provide unequivocal conclusions about association of the variant with Ehlers-Danlos syndrome due to tenascin-X deficiency. To our knowledge, no experimental evidence demonstrating an impact on protein function has been reported. The following publication have been ascertained in the context of this evaluation (PMID: 30115950). ClinVar contains an entry for this variant (Variation ID: 1197303). Based on the evidence outlined above, the variant was classified as likely benign.

Labcorp Genetics (formerly Invitae), Labcorp
Classification: Benign. Last evaluated: 2026-01-26. Review status: criteria provided, single submitter. Criteria: Invitae Variant Classification Sherloc (09022015). Collection method: clinical testing. Allele origin: germline.

CeGaT Center for Human Genetics Tuebingen
Classification: Likely benign. Last evaluated: 2025-02-01. Review status: criteria provided, single submitter. Criteria: CeGaT Center For Human Genetics Tuebingen Variant Classification Criteria Version 2. Collection method: clinical testing. Allele origin: germline. Affected: yes. Observed: 2 variant alleles.
Comment: TNXB: BP4

Ambry Genetics
Classification: Benign for Cardiovascular phenotype. Last evaluated: 2023-11-03. Review status: criteria provided, single submitter. Criteria: Ambry Variant Classification Scheme 2023. Collection method: clinical testing. Allele origin: germline.

Fulgent Genetics
Classification: Likely benign for Ehlers-Danlos syndrome due to tenascin-X deficiency; Vesicoureteral reflux 8. Last evaluated: 2022-05-06. Review status: criteria provided, single submitter. Criteria: ACMG Guidelines, 2015. Collection method: clinical testing. Allele origin: unknown.

GeneDx
Classification: Likely benign. Last evaluated: 2019-07-09. Review status: criteria provided, single submitter. Criteria: GeneDx Variant Classification Process June 2021. Collection method: clinical testing. Allele origin: germline. Affected: yes.
Comment: This variant is associated with the following publications: (PMID: 30115950)

Literature cited by the submitters: PubMed 30115950 (cited by Women's Health and Genetics/Laboratory Corporation of America, LabCorp and Ambry Genetics).